The following is an entry in ClinVar:

NM_015909.4(NBAS):c.5089C>A (p.Arg1697Ser)

Gene: NBAS (NBAS subunit of NRZ tethering complex; minus strand). Cytogenetic location: 2p24.3.
Variant type: single nucleotide variant.
Coding change: c.5089C>A on transcript NM_015909.4 (MANE Select); coding-DNA position 5089, C replaced by A.
Protein change: p.Arg1697Ser; replaces arginine 1697 with serine.
Molecular consequence: missense variant. On other transcripts: non-coding transcript variant (1).
Genome position (GRCh38, 1-based): chr2:15,287,122, G>T on the plus strand (C>A on the coding strand, the complement: NBAS is on the minus strand). VCF-style: chr2-15287122-G-T. GRCh37 (hg19) VCF-style: chr2-15427246-G-T.
Other names: short protein forms R1697S.
Identifiers: ClinVar variation 1413760 (VCV001413760.3), dbSNP rs775517783, ClinGen allele CA1535390.
Genomic context (GRCh38, chr2:15,287,122, plus strand): 5'-TGTGTGCTTACCCACTGTCCGTGAAGAGGAACTCCAAATGGGTCATAAAAACTTCCCAGC[G>T]GGAGACACTGTAACGTTGTGCCAGAGAAATAGCAATGCTGTAGACGCTTTCCTCTAGAGT-3'
Protein context (NP_056993.2, residues 1687-1707): ISLAQRYSVS[Arg1697Ser]WEVFMTHLEF

ClinVar aggregate classification (germline): Uncertain significance (1 of 4 stars; one submission).

gnomAD v4.1: 11 of 1,613,866 alleles (0.00068%); highest among the groups gnomAD compares: Non-Finnish European, 0.00085%; no homozygotes.

Submission:

Labcorp Genetics (formerly Invitae), Labcorp
Classification: Uncertain significance. Last evaluated: 2021-11-26. Review status: criteria provided, single submitter. Criteria: Invitae Variant Classification Sherloc (09022015). Collection method: clinical testing. Allele origin: germline.
Comment: This sequence change replaces arginine, which is basic and polar, with serine, which is neutral and polar, at codon 1697 of the NBAS protein (p.Arg1697Ser). This variant is present in population databases (rs775517783, gnomAD 0.002%). This variant has not been reported in the literature in individuals affected with NBAS-related conditions. Algorithms developed to predict the effect of missense changes on protein structure and function (SIFT, PolyPhen-2, Align-GVGD) all suggest that this variant is likely to be tolerated. In summary, the available evidence is currently insufficient to determine the role of this variant in disease. Therefore, it has been classified as a Variant of Uncertain Significance.